The following is an entry in ClinVar:

ClinVar aggregate classification (germline): Uncertain significance. Review status: criteria provided, multiple submitters, no conflicts (2 of 4 stars). 4 submissions from 4 submitters: Uncertain significance (4). Last evaluated 2026-08-20.

Conditions:
BBS4-related disorder. Also called: BBS4-related condition.
Bardet-Biedl syndrome (BBS). Identifiers: Orphanet 110, MedGen C0752166, MONDO:0015229.
Bardet-Biedl syndrome 4 (BBS4). Identifiers: Orphanet 110, MedGen C2936864, MONDO:0014433, OMIM 615982.

Allele frequency attached by ClinVar (database versions not stated): gnomAD 0.00001; ExAC 0.00002; TOPMed 0.00002; gnomAD exomes 0.00005.
gnomAD v4.1: 78 of 1,614,090 alleles (0.0048%); highest among the groups gnomAD compares: Middle Eastern, 0.016%; no homozygotes.

Submissions (4):

PreventionGenetics, part of Exact Sciences
Classification: Uncertain significance for BBS4-related condition. Last evaluated: 2026-08-20. Review status: criteria provided, single submitter. Criteria: ACMG Guidelines, 2015. Collection method: clinical testing. Allele origin: germline.
Comment: The BBS4 c.821A>G variant is predicted to result in the amino acid substitution p.Asn274Ser. To our knowledge, this variant has not been reported in the literature. This variant is reported in 0.0098% of alleles in individuals of South Asian descent in gnomAD. At this time, the clinical significance of this variant is uncertain due to the absence of conclusive functional and genetic evidence.

Fulgent Genetics
Classification: Uncertain significance for Bardet-Biedl syndrome 4. Last evaluated: 2024-05-21. Review status: criteria provided, single submitter. Criteria: ACMG Guidelines, 2015. Collection method: clinical testing. Allele origin: germline.

Blueprint Genetics
Classification: Uncertain significance. Last evaluated: 2024-04-26. Review status: criteria provided, single submitter. Criteria: ACMG Guidelines, 2015. Collection method: clinical testing. Allele origin: germline.

Labcorp Genetics (formerly Invitae), Labcorp
Classification: Uncertain significance for Bardet-Biedl syndrome. Last evaluated: 2022-04-04. Review status: criteria provided, single submitter. Criteria: Invitae Variant Classification Sherloc (09022015). Collection method: clinical testing. Allele origin: germline.
Comment: This sequence change replaces asparagine, which is neutral and polar, with serine, which is neutral and polar, at codon 274 of the BBS4 protein (p.Asn274Ser). This variant is present in population databases (rs780535373, gnomAD 0.01%). This variant has not been reported in the literature in individuals affected with BBS4-related conditions. Algorithms developed to predict the effect of missense changes on protein structure and function are either unavailable or do not agree on the potential impact of this missense change (SIFT: "Deleterious"; PolyPhen-2: "Probably Damaging"; Align-GVGD: "Class C0"). In summary, the available evidence is currently insufficient to determine the role of this variant in disease. Therefore, it has been classified as a Variant of Uncertain Significance.

NM_033028.5(BBS4):c.821A>G (p.Asn274Ser)

Gene: BBS4 (Bardet-Biedl syndrome 4; plus strand). Cytogenetic location: 15q24.1.
Variant type: single nucleotide variant.
Coding change: c.821A>G on transcript NM_033028.5 (MANE Select); coding-DNA position 821, A replaced by G.
Protein change: p.Asn274Ser; replaces asparagine 274 with serine.
Molecular consequence: missense variant. On other transcripts: non-coding transcript variant (2).
Genome position (GRCh38, 1-based): chr15:72,731,414, A>G. VCF-style: chr15-72731414-A-G. GRCh37 (hg19) VCF-style: chr15-73023755-A-G.
Other names: c.821A>G (NM_033028.4); c.305A>G, p.Asn102Ser (NM_001252678.2); c.752A>G, p.Asn251Ser (NM_001320665.2); short protein forms N274S, N102S, N251S.
Identifiers: ClinVar variation 1979954 (VCV001979954.5), dbSNP rs780535373, ClinGen allele CA7646798.